The following is an entry in ClinVar:

NM_000540.3(RYR1):c.12518T>C (p.Phe4173Ser)

Gene: RYR1 (ryanodine receptor 1; plus strand). Cytogenetic location: 19q13.2.
Variant type: single nucleotide variant.
Coding change: c.12518T>C on transcript NM_000540.3 (MANE Select); coding-DNA position 12518, T replaced by C.
Protein change: p.Phe4173Ser; replaces phenylalanine 4173 with serine.
Molecular consequence: missense variant.
Genome position (GRCh38, 1-based): chr19:38,561,348, T>C. VCF-style: chr19-38561348-T-C. GRCh37 (hg19) VCF-style: chr19-39051988-T-C.
Other names: c.12503T>C, p.Phe4168Ser (NM_001042723.2); short protein forms F4168S, F4173S.
Identifiers: ClinVar variation 4527085 (VCV004527085.2).

ClinVar aggregate classification (germline): Uncertain significance. Review status: criteria provided, multiple submitters, no conflicts (2 of 4 stars). 2 submissions from 2 submitters: Uncertain significance (2). Last evaluated 2026-07-07.

Conditions:
Inborn genetic diseases. Identifiers: MedGen C0950123, MeSH D030342.

gnomAD v4.1: 5 of 1,613,918 alleles (0.00031%); highest among the groups gnomAD compares: Non-Finnish European, 0.00042%; no homozygotes.

Submissions (2):

Ambry Genetics
Classification: Uncertain significance for Inborn genetic diseases. Last evaluated: 2026-07-07. Review status: criteria provided, single submitter. Criteria: Ambry Variant Classification Scheme 2023. Collection method: clinical testing. Allele origin: germline.
Comment: The p.F4173S variant (also known as c.12518T>C), located in coding exon 90 of the RYR1 gene, results from a T to C substitution at nucleotide position 12518. The phenylalanine at codon 4173 is replaced by serine, an amino acid with highly dissimilar properties. This amino acid position is conserved. In addition, this alteration is predicted to be deleterious by in silico analysis. Based on the available evidence, the clinical significance of this variant remains unclear.

GeneDx
Classification: Uncertain significance. Last evaluated: 2025-04-18. Review status: criteria provided, single submitter. Criteria: GeneDx Variant Classification Process June 2021. Collection method: clinical testing. Allele origin: germline. Affected: yes.
Comment: Not observed at significant frequency in large population cohorts (gnomAD); In silico analysis supports that this missense variant has a deleterious effect on protein structure/function; Has not been previously published as pathogenic or benign to our knowledge